The following is an entry in ClinVar:

ClinVar aggregate classification (germline): Uncertain significance (1 of 4 stars; one submission).

gnomAD v4.1: 6 of 1,612,806 alleles (0.00037%); highest among the groups gnomAD compares: Non-Finnish European, 0.00051%; no homozygotes.

Submission:

Labcorp Genetics (formerly Invitae), Labcorp
Classification: Uncertain significance. Last evaluated: 2025-12-15. Review status: criteria provided, single submitter. Criteria: Invitae Variant Classification Sherloc (09022015). Collection method: clinical testing. Allele origin: germline.
Comment: This sequence change replaces arginine, which is basic and polar, with cysteine, which is neutral and slightly polar, at codon 287 of the TOPORS protein (p.Arg287Cys). This variant is present in population databases (rs754517864, gnomAD 0.002%). This variant has not been reported in the literature in individuals affected with TOPORS-related conditions. An algorithm developed to predict the effect of missense changes on protein structure and function (PolyPhen-2) suggests that this variant is likely to be disruptive. In summary, the available evidence is currently insufficient to determine the role of this variant in disease. Therefore, it has been classified as a Variant of Uncertain Significance.

NM_005802.5(TOPORS):c.859C>T (p.Arg287Cys)

Gene: TOPORS (TOP1 binding arginine/serine rich protein, E3 ubiquitin ligase; minus strand). Cytogenetic location: 9p21.1.
Variant type: single nucleotide variant.
Coding change: c.859C>T on transcript NM_005802.5 (MANE Select); coding-DNA position 859, C replaced by T.
Protein change: p.Arg287Cys; replaces arginine 287 with cysteine.
Molecular consequence: missense variant.
Genome position (GRCh38, 1-based): chr9:32,543,666, G>A on the plus strand (C>T on the coding strand, the complement: TOPORS is on the minus strand). VCF-style: chr9-32543666-G-A. GRCh37 (hg19) VCF-style: chr9-32543664-G-A.
Other names: c.664C>T, p.Arg222Cys (NM_001195622.2); short protein forms R287C, R222C.
Identifiers: ClinVar variation 4774317 (VCV004774317.1).